The following is an entry in ClinVar:

NM_194248.3(OTOF):c.2111C>G (p.Pro704Arg)

Gene: OTOF (otoferlin; minus strand). Cytogenetic location: 2p23.3.
Variant type: single nucleotide variant.
Coding change: c.2111C>G on transcript NM_194248.3 (MANE Select); coding-DNA position 2111, C replaced by G.
Protein change: p.Pro704Arg; replaces proline 704 with arginine.
Molecular consequence: missense variant.
Genome position (GRCh38, 1-based): chr2:26,479,367, G>C on the plus strand (C>G on the coding strand, the complement: OTOF is on the minus strand). VCF-style: chr2-26479367-G-C. GRCh37 (hg19) VCF-style: chr2-26702235-G-C.
Other names: c.2111C>G, p.Pro704Arg (NM_001287489.2); short protein forms P704R.
Identifiers: ClinVar variation 5006271 (VCV005006271.2).

ClinVar aggregate classification (germline): Uncertain significance (1 of 4 stars; one submission).

Conditions:
Autosomal recessive nonsyndromic hearing loss 9. Also called: Deafness, autosomal recessive 9; OTOF-Related Hearing Loss; AUDITORY NEUROPATHY, AUTOSOMAL RECESSIVE, 1, TEMPERATURE-SENSITIVE; NEUROSENSORY NONSYNDROMIC RECESSIVE DEAFNESS 9. Identifiers: Orphanet 90636, MedGen C1832828, MONDO:0010986, OMIM 601071.

Submission:

Juno Genomics, Hangzhou Juno Genomics, Inc
Classification: Uncertain significance for Autosomal recessive nonsyndromic hearing loss 9. Review status: criteria provided, single submitter. Criteria: ACMG Guidelines, 2015. Collection method: clinical testing. Allele origin: germline.
Comment: Absent from controls (or at extremely low frequency if recessive) in Genome Aggregation Database.;Multiple lines of computational evidence support a deleterious effect on the gene or gene product.